The following is an entry in ClinVar:

ClinVar aggregate classification (germline): Pathogenic (3 of 4 stars; one submission).

Conditions:
Very long chain acyl-CoA dehydrogenase deficiency (ACADVLD). Also called: VLCAD Deficiency; Very Long-Chain Acyl-Coenzyme A Dehydrogenase Deficiency. Identifiers: Orphanet 26793, MedGen C3887523, MONDO:0008723, OMIM 201475.

Submission:

ClinGen ACADVL Variant Curation Expert Panel, ClinGen
Classification: Pathogenic for Very long chain acyl-CoA dehydrogenase deficiency. Last evaluated: 2022-09-22. Review status: reviewed by expert panel. Criteria: clingen acadvl acmg specifications v1. Collection method: curation. Allele origin: germline. Inheritance: Autosomal recessive inheritance.
Comment: The c.1077+2T>A (NM_000018.4) variant in ACADVL occurs within the canonical splice donor site (+/- 1,2) of intron 10. It is predicted to cause skipping of biologically-relevant-exon 10/20, resulting in a frameshift leading to nonsense mediated decay in a gene in which loss-of-function is an established disease mechanism (PVS1: PMIDs 9973285, 11590124). This variant been reported in one individual with very long chain acyl-CoA dehydrogenase deficiency in the literature with decreased VLCAD enzyme activity (PP4_moderate; PMID: 30194637). This variant is absent from gnomAD v2.1.1 (PM2_Supporting). The ACADVL Variant Curation Expert Panel VCEP classified the variant as pathogenic based on PVS1, PM2_supporting, PP4_Moderate.

NM_000018.4(ACADVL):c.1077+2T>A

Gene: ACADVL (acyl-CoA dehydrogenase very long chain; plus strand). Cytogenetic location: 17p13.1.
Variant type: single nucleotide variant.
Coding change: c.1077+2T>A on transcript NM_000018.4 (MANE Select); the canonical splice donor site of the intron after coding-DNA position 1077, T replaced by A.
Molecular consequence: splice donor variant.
Genome position (GRCh38, 1-based): chr17:7,222,867, T>A. VCF-style: chr17-7222867-T-A. GRCh37 (hg19) VCF-style: chr17-7126186-T-A.
Other names: c.1146+2T>A (NM_001270447.2); c.849+2T>A (NM_001270448.2); c.1011+2T>A (NM_001033859.3).
Identifiers: ClinVar variation 1707708 (VCV001707708.2), dbSNP rs1057516370, ClinGen allele CA397724300.